The following is an entry in ClinVar:

ClinVar aggregate classification (germline): Uncertain significance (1 of 4 stars; one submission).

Submission:

Labcorp Genetics (formerly Invitae), Labcorp
Classification: Uncertain significance. Last evaluated: 2022-12-16. Review status: criteria provided, single submitter. Criteria: Invitae Variant Classification Sherloc (09022015). Collection method: clinical testing. Allele origin: germline.
Comment: In summary, the available evidence is currently insufficient to determine the role of this variant in disease. Therefore, it has been classified as a Variant of Uncertain Significance. Algorithms developed to predict the effect of missense changes on protein structure and function are either unavailable or do not agree on the potential impact of this missense change (SIFT: "Deleterious"; PolyPhen-2: "Benign"; Align-GVGD: "Class C0"). This variant has not been reported in the literature in individuals affected with TOP2B-related conditions. This variant is not present in population databases (gnomAD no frequency). This sequence change replaces threonine, which is neutral and polar, with isoleucine, which is neutral and non-polar, at codon 1366 of the TOP2B protein (p.Thr1366Ile).

NM_001330700.2(TOP2B):c.4112C>T (p.Thr1371Ile)

Gene: TOP2B (DNA topoisomerase II beta; minus strand). Cytogenetic location: 3p24.2.
Variant type: single nucleotide variant.
Coding change: c.4112C>T on transcript NM_001330700.2 (MANE Select); coding-DNA position 4112, C replaced by T.
Protein change: p.Thr1371Ile; replaces threonine 1371 with isoleucine.
Molecular consequence: missense variant.
Genome position (GRCh38, 1-based): chr3:25,607,357, G>A on the plus strand (C>T on the coding strand, the complement: TOP2B is on the minus strand). VCF-style: chr3-25607357-G-A. GRCh37 (hg19) VCF-style: chr3-25648848-G-A.
Other names: c.4097C>T, p.Thr1366Ile (NM_001068.3); short protein forms T1366I, T1371I.
Identifiers: ClinVar variation 2821099 (VCV002821099.3), dbSNP rs2529873234, ClinGen allele CA351892868.